The following is an entry in ClinVar:

ClinVar aggregate classification (germline): Likely benign (1 of 4 stars; one submission).

Allele frequency attached by ClinVar (database versions not stated): 1000 Genomes Project 30x 0.00344; 1000 Genomes Project 0.00379; gnomAD 0.00556; ESP Exome Variant Server 0.00569; ExAC 0.00976.
gnomAD v4.1: 9,867 of 1,547,902 alleles (0.64%); highest among the groups gnomAD compares: South Asian, 0.77%; 67 homozygotes.

Submission:

CeGaT Center for Human Genetics Tuebingen
Classification: Likely benign. Last evaluated: 2023-04-01. Review status: criteria provided, single submitter. Criteria: CeGaT Center For Human Genetics Tuebingen Variant Classification Criteria Version 2. Collection method: clinical testing. Allele origin: germline. Affected: yes. Observed: 1 variant allele.
Comment: EPN1: BP4, BP7, BS2

NM_001130072.2(EPN1):c.-76G>A

Gene: EPN1 (epsin 1; plus strand). Cytogenetic location: 19q13.42.
Variant type: single nucleotide variant.
Coding change: c.-76G>A on transcript NM_001130072.2 (MANE Select); 76 bases upstream of the start codon, G replaced by A.
Molecular consequence: 5 prime UTR variant. On other transcripts: synonymous variant (1).
Genome position (GRCh38, 1-based): chr19:55,678,552, G>A. VCF-style: chr19-55678552-G-A. GRCh37 (hg19) VCF-style: chr19-56189918-G-A.
Other names: c.258G>A, p.Pro86= (NM_001130071.2); c.-76G>A (NM_001321263.2, NM_013333.4).
Identifiers: ClinVar variation 2650539 (VCV002650539.24), dbSNP rs141127387, ClinGen allele CA9679518.